The following is an entry in ClinVar:

NM_198578.4(LRRK2):c.5210G>A (p.Gly1737Asp)

Gene: LRRK2 (leucine rich repeat kinase 2; plus strand). Cytogenetic location: 12q12.
Variant type: single nucleotide variant.
Coding change: c.5210G>A on transcript NM_198578.4 (MANE Select); coding-DNA position 5210, G replaced by A.
Protein change: p.Gly1737Asp; replaces glycine 1737 with aspartic acid.
Molecular consequence: missense variant.
Genome position (GRCh38, 1-based): chr12:40,322,074, G>A. VCF-style: chr12-40322074-G-A. GRCh37 (hg19) VCF-style: chr12-40715876-G-A.
Other names: short protein forms G1737D.
Identifiers: ClinVar variation 3774056 (VCV003774056.1).

ClinVar aggregate classification (germline): Uncertain significance (1 of 4 stars; one submission).

Submission:

GeneDx
Classification: Uncertain significance. Last evaluated: 2024-09-19. Review status: criteria provided, single submitter. Criteria: GeneDx Variant Classification Process June 2021. Collection method: clinical testing. Allele origin: germline. Affected: yes.
Comment: Not observed at significant frequency in large population cohorts (gnomAD); In silico analysis supports that this missense variant has a deleterious effect on protein structure/function; Has not been previously published as pathogenic or benign to our knowledge